The following is an entry in ClinVar:

NM_005633.4(SOS1):c.3703C>T (p.Pro1235Ser)

Gene: SOS1 (SOS Ras/Rac guanine nucleotide exchange factor 1; minus strand). Cytogenetic location: 2p22.1.
Variant type: single nucleotide variant.
Coding change: c.3703C>T on transcript NM_005633.4 (MANE Select); coding-DNA position 3703, C replaced by T.
Protein change: p.Pro1235Ser; replaces proline 1235 with serine.
Molecular consequence: missense variant.
Genome position (GRCh38, 1-based): chr2:38,986,123, G>A on the plus strand (C>T on the coding strand, the complement: SOS1 is on the minus strand). VCF-style: chr2-38986123-G-A. GRCh37 (hg19) VCF-style: chr2-39213264-G-A.
Other names: c.3703C>T (NM_005633.3); c.3682C>T, p.Pro1228Ser (NM_001382394.1); c.3658C>T, p.Pro1220Ser (NM_001382395.1); short protein forms P1235S, P1220S, P1228S.
Identifiers: ClinVar variation 45366 (VCV000045366.16), dbSNP rs397517168, ClinGen allele CA136146.
Genomic context (GRCh38, chr2:38,986,123, plus strand): 5'-GGGAAGGGCTGTTTGGGAAGAAGGCATTGCCATGGTCACTTTTTTTGCCCAAAGGGGGAG[G>A]TTGGAGATGTAGTGGTGAGCTTGAGAAAACATCAGGTGTCCTCACAGGTTCTCGTGGTGG-3'
Protein context (NP_005624.2, residues 1225-1245): VFSSSPLHLQ[Pro1235Ser]PPLGKKSDHG

ClinVar aggregate classification (germline): Uncertain significance. Review status: reviewed by expert panel (3 of 4 stars). 5 submissions from 5 submitters: Uncertain significance (1). 4 of the submissions do not count toward it. Last evaluated 2019-10-07.

Conditions:
Cardiovascular phenotype. Identifiers: MedGen CN230736.
RASopathy. Also called: Noonan spectrum disorder; rasopathies. Identifiers: Orphanet 536391, MedGen C5555857, MONDO:0021060.
Noonan syndrome 4 (NS4). Also called: NOONAN SYNDROME WITH PIGMENTED VILLONODULAR SYNOVITIS; SOS1-Related Noonan Syndrome. Identifiers: Orphanet 648, MedGen C1853120, MONDO:0012547, OMIM 610733.

Allele frequency attached by ClinVar (database versions not stated): gnomAD exomes 0.00001; gnomAD 0.00003; TOPMed 0.00002.
gnomAD v4.1: 18 of 1,613,760 alleles (0.0011%); highest among the groups gnomAD compares: South Asian, 0.0022%; no homozygotes.

Submissions (5):

ClinGen RASopathy Variant Curation Expert Panel
Classification: Uncertain significance for RASopathy. Last evaluated: 2019-10-07. Review status: reviewed by expert panel. Criteria: ClinGen RASopathy ACMG Specifications v1. Collection method: curation. Allele origin: germline. Inheritance: Autosomal dominant inheritance.
Comment: The filtering allele frequency of the c.3703C>T (p.Pro1235Ser) variant in the SOS1 gene is .016% (1/6134 with 95% CI) of "Other" alleles and .0017% (2/113506 with 95% CI) of non-Finnish European alleles in gnomAD (BS1 not met). The variant is located in the SOS1 gene, which has been defined by the ClinGen RASopathy Expert Panel as a gene with a low rate of benign missense variants and pathogenic missense variants are common (PP2; PMID: 29493581). Observed cases from laboratories and publications lack sufficient clinical phenotypic information to support or refute pathogenicity (SCV000062232.6; SCV000207254.1; GeneDx internal data; PMID: 27763634) In summary, the clinical significance of the p.Pro1235Ser variant is uncertain. RASopathy-specific ACMG/AMP criteria applied (PMID:29493581): PP2.

Ambry Genetics
Classification: Uncertain significance for Cardiovascular phenotype. Last evaluated: 2026-08-03. Review status: criteria provided, single submitter. Criteria: Ambry Variant Classification Scheme 2023. Collection method: clinical testing. Allele origin: germline. Not counted in ClinVar's aggregate classification.

Clinical Genomics Laboratory, Washington University in St. Louis
Classification: Uncertain significance for Noonan syndrome 4. Last evaluated: 2026-02-22. Review status: criteria provided, single submitter. Criteria: ACMG Guidelines, 2015. Collection method: clinical testing. Allele origin: germline. Not counted in ClinVar's aggregate classification.
Comment: A SOS1 c.3703C>T (p.Pro1235Ser) variant was identified at a near heterozygous allelic fraction of 49.7%, a frequency which may be consistent with germline origin. This variant has been reported in the literature as a variant of uncertain significance in a patient with a suspected RASopathy (Bhoj EJ et al.,PMID: 27763634). It has also been reported in the ClinVar database as a germline variant of uncertain significance by four submitters and a likely benign variant by one submitter (ClinVar Variation ID: 45366). It is observed on 18/1,613,760 alleles in the general population (gnomAD v4.1.0). Computational predictors are uncertain as to the impact of this variant on SOS1 function. Due to limited information, and based on ACMG/AMP guidelines for variant interpretation (Richards S et al., PMID: 25741868) and the ClinGen RASopathy variant curation expert panel, the clinical significance of this variant is uncertain at this time.

Labcorp Genetics (formerly Invitae), Labcorp
Classification: Uncertain significance for RASopathy. Last evaluated: 2025-09-09. Review status: criteria provided, single submitter. Criteria: Invitae Variant Classification Sherloc (09022015). Collection method: clinical testing. Allele origin: germline. Not counted in ClinVar's aggregate classification.
Comment: This sequence change replaces proline, which is neutral and non-polar, with serine, which is neutral and polar, at codon 1235 of the SOS1 protein (p.Pro1235Ser). This variant is present in population databases (rs397517168, gnomAD 0.0009%). This missense change has been observed in individual(s) with clinical features of SOS1-related conditions (PMID: 27763634). ClinVar contains an entry for this variant (Variation ID: 45366). Invitae Evidence Modeling of protein sequence and biophysical properties (such as structural, functional, and spatial information, amino acid conservation, physicochemical variation, residue mobility, and thermodynamic stability) has been performed for this missense variant. However, the output from this modeling did not meet the statistical confidence thresholds required to predict the impact of this variant on SOS1 protein function. In summary, the available evidence is currently insufficient to determine the role of this variant in disease. Therefore, it has been classified as a Variant of Uncertain Significance.

Laboratory for Molecular Medicine, Mass General Brigham Personalized Medicine
Classification: Uncertain significance. Last evaluated: 2012-12-17. Review status: criteria provided, single submitter. Criteria: LMM Criteria. Collection method: clinical testing. Allele origin: germline. Observed: 1 variant allele. Not counted in ClinVar's aggregate classification.
Comment: The Pro1235Ser variant in SOS1 has not been previously identified by our laborat ory or reported in the literature. This variant has not been identified in large and broad European American and African American populations by the NHLBI Exome Sequencing Project. Computational analyses (biochemical amino acid properties, conservation, AlignGVGD, PolyPhen2, and SIFT ) suggest that the Pro1235Ser variant may impact the protein, though this inform ation is not predictive enough to determine pathogenicity. In summary, additiona l information is needed to fully assess the clinical significance of the Pro1235 Ser variant.

Literature cited by the submitters: PubMed 27763634 (cited by Labcorp Genetics (formerly Invitae), Labcorp).